The following is an entry in ClinVar:

NM_000540.3(RYR1):c.4794G>T (p.Met1598Ile)

Gene: RYR1 (ryanodine receptor 1; plus strand). Cytogenetic location: 19q13.2.
Variant type: single nucleotide variant.
Coding change: c.4794G>T on transcript NM_000540.3 (MANE Select); coding-DNA position 4794, G replaced by T.
Protein change: p.Met1598Ile; replaces methionine 1598 with isoleucine.
Molecular consequence: missense variant.
Genome position (GRCh38, 1-based): chr19:38,483,376, G>T. VCF-style: chr19-38483376-G-T. GRCh37 (hg19) VCF-style: chr19-38974016-G-T.
Other names: c.4794G>T, p.Met1598Ile (NM_001042723.2); short protein forms M1598I.
Identifiers: ClinVar variation 650913 (VCV000650913.8), dbSNP rs768798878, ClinGen allele CA405650478.

ClinVar aggregate classification (germline): Uncertain significance (1 of 4 stars; one submission).

Conditions:
RYR1-related disorder. Also called: RYR1-related disorders; RYR1-related condition. Identifiers: MedGen CN239331.

Submission:

Labcorp Genetics (formerly Invitae), Labcorp
Classification: Uncertain significance for RYR1-related disorder. Last evaluated: 2018-12-20. Review status: criteria provided, single submitter. Criteria: Invitae Variant Classification Sherloc (09022015). Collection method: clinical testing. Allele origin: germline.
Comment: This variant has not been reported in the literature in individuals with RYR1-related conditions. This variant is not present in population databases (ExAC no frequency). This sequence change replaces methionine with isoleucine at codon 1598 of the RYR1 protein (p.Met1598Ile). The methionine residue is highly conserved and there is a small physicochemical difference between methionine and isoleucine. Algorithms developed to predict the effect of missense changes on protein structure and function are either unavailable or do not agree on the potential impact of this missense change (SIFT: "Deleterious"; PolyPhen-2: "Benign"; Align-GVGD: "Class C0"). In summary, the available evidence is currently insufficient to determine the role of this variant in disease. Therefore, it has been classified as a Variant of Uncertain Significance.